The following is an entry in ClinVar:

ClinVar aggregate classification (germline): Uncertain significance (1 of 4 stars; one submission).

gnomAD v4.1: 8 of 1,532,900 alleles (0.00052%); highest among the groups gnomAD compares: East Asian, 0.017%; no homozygotes.

Submission:

Labcorp Genetics (formerly Invitae), Labcorp
Classification: Uncertain significance. Last evaluated: 2025-07-20. Review status: criteria provided, single submitter. Criteria: Invitae Variant Classification Sherloc (09022015). Collection method: clinical testing. Allele origin: germline.
Comment: This sequence change replaces proline, which is neutral and non-polar, with serine, which is neutral and polar, at codon 696 of the SYNPO protein (p.Pro696Ser). This variant is present in population databases (no rsID available, gnomAD 0.06%). This variant has not been reported in the literature in individuals affected with SYNPO-related conditions. An algorithm developed to predict the effect of missense changes on protein structure and function (PolyPhen-2) suggests that this variant is likely to be tolerated. In summary, the available evidence is currently insufficient to determine the role of this variant in disease. Therefore, it has been classified as a Variant of Uncertain Significance.

NM_007286.6(SYNPO):c.2086C>T (p.Pro696Ser)

Genes: SYNPO (synaptopodin; plus strand), LOC129995010 (ATAC-STARR-seq lymphoblastoid silent region 16515; plus strand). Cytogenetic location: 5q33.1.
Variant type: single nucleotide variant.
Coding change: c.2086C>T on transcript NM_007286.6 (MANE Select); coding-DNA position 2086, C replaced by T.
Protein change: p.Pro696Ser; replaces proline 696 with serine.
Molecular consequence: missense variant.
Genome position (GRCh38, 1-based): chr5:150,656,461, C>T. VCF-style: chr5-150656461-C-T. GRCh37 (hg19) VCF-style: chr5-150036023-C-T.
Other names: short protein forms P696S.
Identifiers: ClinVar variation 4781365 (VCV004781365.1).